The following is an entry in ClinVar:

NM_133642.5(LARGE1):c.1132-208G>A

Gene: LARGE1 (LARGE xylosyl- and glucuronyltransferase 1; minus strand). Cytogenetic location: 22q12.3.
Variant type: single nucleotide variant.
Coding change: c.1132-208G>A on transcript NM_133642.5 (MANE Select); 208 bases into the intron before coding-DNA position 1132, G replaced by A.
Molecular consequence: intron variant.
Genome position (GRCh38, 1-based): chr22:33,338,009, C>T on the plus strand (G>A on the coding strand, the complement: LARGE1 is on the minus strand). VCF-style: chr22-33338009-C-T. GRCh37 (hg19) VCF-style: chr22-33733995-C-T.
Other names: c.1132-208G>A (NM_001362953.2, NM_001362949.2, NM_001378627.1 and 6 more transcripts); c.1132-21761G>A (NM_001378629.1); c.529-21761G>A (NM_001378631.1); c.529-208G>A (NM_001378630.1).
Identifiers: ClinVar variation 683057 (VCV000683057.1), dbSNP rs2285106, ClinGen allele CA14967210.

ClinVar aggregate classification (germline): Benign (1 of 4 stars; one submission).

Allele frequency attached by ClinVar (database versions not stated): 1000 Genomes Project 30x 0.27936; 1000 Genomes Project 0.27975; gnomAD 0.28141 and 0.28614; TOPMed 0.28419.
gnomAD v4.1: 43,469 of 152,082 alleles (29%); highest among the groups gnomAD compares: South Asian, 38%; 6,623 homozygotes.

Submission:

GeneDx
Classification: Benign. Last evaluated: 2018-06-19. Review status: criteria provided, single submitter. Criteria: GeneDx Variant Classification (06012015). Collection method: clinical testing. Allele origin: germline. Affected: yes.
Comment: This variant is considered likely benign or benign based on one or more of the following criteria: it is a conservative change, it occurs at a poorly conserved position in the protein, it is predicted to be benign by multiple in silico algorithms, and/or has population frequency not consistent with disease.